The following is an entry in ClinVar:

ClinVar aggregate classification (germline): Benign. Review status: criteria provided, multiple submitters, no conflicts (2 of 4 stars). 7 submissions from 6 submitters: Benign (6). 1 of the submissions does not count toward it. Last evaluated 2026-02-04.

Conditions:
Cone-rod dystrophy 13 (CORD13). Identifiers: Orphanet 1872, MedGen C2750720, MONDO:0011987, OMIM 608194.
Leber congenital amaurosis 6 (LCA6). Identifiers: Orphanet 65, MedGen C1854260, MONDO:0013446, OMIM 613826.

Allele frequency attached by ClinVar (database versions not stated): ESP Exome Variant Server 0.04362; gnomAD 0.05695 and 0.05758; 1000 Genomes Project 0.05831; 1000 Genomes Project 30x 0.06152; TOPMed 0.06856.
gnomAD v4.1: 78,875 of 1,612,406 alleles (4.9%); highest among the groups gnomAD compares: Admixed American, 22%; 3,144 homozygotes.

Submissions (7):

Labcorp Genetics (formerly Invitae), Labcorp
Classification: Benign for Leber congenital amaurosis 6; Cone-rod dystrophy 13. Last evaluated: 2026-02-04. Review status: criteria provided, single submitter. Criteria: Invitae Variant Classification Sherloc (09022015). Collection method: clinical testing. Allele origin: germline.

GeneDx
Classification: Benign. Last evaluated: 2018-07-28. Review status: criteria provided, single submitter. Criteria: GeneDx Variant Classification Process June 2021. Collection method: clinical testing. Allele origin: germline. Affected: yes.

Illumina Laboratory Services, Illumina
Classification: Benign for Cone-rod dystrophy 13. Last evaluated: 2018-01-13. Review status: criteria provided, single submitter. Criteria: ICSL Variant Classification Criteria 13 December 2019. Collection method: clinical testing. Allele origin: germline.
Comment: This variant was observed in the ICSL laboratory as part of a predisposition screen in an ostensibly healthy population. It had not been previously curated by ICSL or reported in the Human Gene Mutation Database (HGMD: prior to June 1st, 2018), and was therefore a candidate for classification through an automated scoring system. Utilizing variant allele frequency, disease prevalence and penetrance estimates, and inheritance mode, an automated score was calculated to assess if this variant is too frequent to cause the disease. Based on the score and internal cut-off values, a variant classified as benign is not then subjected to further curation. The score for this variant resulted in a classification of benign for this disease.

Illumina Laboratory Services, Illumina
Classification: Benign for Leber congenital amaurosis 6. Last evaluated: 2018-01-13. Review status: criteria provided, single submitter. Criteria: ICSL Variant Classification Criteria 13 December 2019. Collection method: clinical testing. Allele origin: germline.
Comment: the same text as in the submission from Illumina Laboratory Services, Illumina above.

Breakthrough Genomics
Classification: Benign. Review status: criteria provided, single submitter. Criteria: ACMG Guidelines, 2015. Collection method: not provided. Allele origin: germline. Inheritance: Autosomal recessive inheritance. Affected: yes.

PreventionGenetics, part of Exact Sciences
Classification: Benign. Review status: criteria provided, single submitter. Criteria: ACMG Guidelines, 2015. Collection method: clinical testing. Allele origin: germline.

Retina International
No classification provided. Review status: no classification provided. Collection method: not provided. Allele origin: not provided. Not counted in ClinVar's aggregate classification.

NM_020366.4(RPGRIP1):c.287C>A (p.Pro96Gln)

Gene: RPGRIP1 (RPGR interacting protein 1; plus strand). Cytogenetic location: 14q11.2.
Variant type: single nucleotide variant.
Coding change: c.287C>A on transcript NM_020366.4 (MANE Select); coding-DNA position 287, C replaced by A.
Protein change: p.Pro96Gln; replaces proline 96 with glutamine.
Molecular consequence: missense variant.
Genome position (GRCh38, 1-based): chr14:21,301,034, C>A. VCF-style: chr14-21301034-C-A. GRCh37 (hg19) VCF-style: chr14-21769193-C-A.
Other names: short protein forms P96Q.
Identifiers: ClinVar variation 99819 (VCV000099819.16), dbSNP rs1040904, ClinGen allele CA227918.
Genomic context (GRCh38, chr14:21,301,034, plus strand): 5'-CCACCTTGCTGCGGTTGACCGCTGCTGGCCGGGACCTGCGGGTCGCGGAGGAGGCGGCGC[C>A]GCTCTCGGAGACCGCAAGGCGCGGGCAGAAGGCGGGATGGCGGCAGCGCCTCTCCATGCA-3'
Protein context (NP_065099.3, residues 86-106): RDLRVAEEAA[Pro96Gln]LSETARRGQK